The following is an entry in ClinVar:

ClinVar aggregate classification (germline): Likely benign (0 of 4 stars; one submission).

Conditions:
AFF3-related disorder. Also called: AFF3-related condition.

Allele frequency attached by ClinVar (database versions not stated): gnomAD exomes 0.00006; ExAC 0.00024; ESP Exome Variant Server 0.00054; gnomAD 0.00058; TOPMed 0.00059; 1000 Genomes Project 0.00060; 1000 Genomes Project 30x 0.00078.
gnomAD v4.1: 174 of 1,595,578 alleles (0.011%); highest among the groups gnomAD compares: African/African-American, 0.22%; 1 homozygote.

Submission:

PreventionGenetics, part of Exact Sciences
Classification: Likely benign for AFF3-related condition. Last evaluated: 2022-05-27. Review status: no assertion criteria provided. Collection method: clinical testing. Allele origin: germline.
Comment: This variant is classified as likely benign based on ACMG/AMP sequence variant interpretation guidelines (Richards et al. 2015 PMID: 25741868, with internal and published modifications).

NM_001386135.1(AFF3):c.1197G>A (p.Gln399=)

Gene: AFF3 (ALF transcription elongation factor 3; minus strand). Cytogenetic location: 2q11.2.
Variant type: single nucleotide variant.
Coding change: c.1197G>A on transcript NM_001386135.1 (MANE Select); coding-DNA position 1197, G replaced by A.
Protein change: p.Gln399=; no amino-acid change (glutamine 399 retained).
Molecular consequence: synonymous variant.
Genome position (GRCh38, 1-based): chr2:99,601,609, C>T on the plus strand (G>A on the coding strand, the complement: AFF3 is on the minus strand). VCF-style: chr2-99601609-C-T. GRCh37 (hg19) VCF-style: chr2-100218071-C-T.
Other names: c.1272G>A, p.Gln424= (NM_001025108.2); c.1197G>A, p.Gln399= (NM_002285.3).
Identifiers: ClinVar variation 3048479 (VCV003048479.2), dbSNP rs149711835, ClinGen allele CA1801207.